The following is an entry in ClinVar:

ClinVar aggregate classification (germline): Uncertain significance. Review status: criteria provided, multiple submitters, no conflicts (2 of 4 stars). 3 submissions from 3 submitters: Uncertain significance (3). Last evaluated 2026-06-08.

Conditions:
Hereditary cancer-predisposing syndrome. Also called: Hereditary Cancer Syndrome; Hereditary neoplastic syndrome; Neoplastic Syndromes, Hereditary; Tumor predisposition. Identifiers: Orphanet 140162, MedGen C0027672, MeSH D009386, MONDO:0015356.
Fanconi anemia complementation group J. Also called: BRIP1-Related Fanconi Anemia. Identifiers: Orphanet 84, MedGen C1836860, MONDO:0012187, OMIM 609054.
Familial cancer of breast. Also called: hereditary breast carcinoma; BREAST CANCER, FAMILIAL; Hereditary breast cancer. Identifiers: Orphanet 227535, MedGen C0346153, MONDO:0016419, OMIM 114480. Disease mechanism: loss of function.
Familial ovarian cancer. Identifiers: MedGen C5679802, MONDO:0016248.

Submissions (3):

Ambry Genetics
Classification: Uncertain significance for Hereditary cancer-predisposing syndrome. Last evaluated: 2026-06-08. Review status: criteria provided, single submitter. Criteria: Ambry Variant Classification Scheme 2023. Collection method: clinical testing. Allele origin: germline.
Comment: The p.V518F variant (also known as c.1552G>T), located in coding exon 10 of the BRIP1 gene, results from a G to T substitution at nucleotide position 1552. The valine at codon 518 is replaced by phenylalanine, an amino acid with highly similar properties. This amino acid position is conserved. In addition, this alteration is predicted to be tolerated by in silico analysis. Based on the available evidence, the clinical significance of this variant remains unclear.

Labcorp Genetics (formerly Invitae), Labcorp
Classification: Uncertain significance for Familial cancer of breast; Fanconi anemia complementation group J. Last evaluated: 2025-09-23. Review status: criteria provided, single submitter. Criteria: Invitae Variant Classification Sherloc (09022015). Collection method: clinical testing. Allele origin: germline.
Comment: This sequence change replaces valine, which is neutral and non-polar, with phenylalanine, which is neutral and non-polar, at codon 518 of the BRIP1 protein (p.Val518Phe). This variant is not present in population databases (gnomAD no frequency). This variant has not been reported in the literature in individuals affected with BRIP1-related conditions. ClinVar contains an entry for this variant (Variation ID: 3778961). Invitae Evidence Modeling of protein sequence and biophysical properties (such as structural, functional, and spatial information, amino acid conservation, physicochemical variation, residue mobility, and thermodynamic stability) indicates that this missense variant is not expected to disrupt BRIP1 protein function with a negative predictive value of 95%. In summary, the available evidence is currently insufficient to determine the role of this variant in disease. Therefore, it has been classified as a Variant of Uncertain Significance.

Department of Pathology and Laboratory Medicine, Sinai Health System
Classification: Uncertain significance for familial ovarian cancer. Last evaluated: 2022-03-31. Review status: criteria provided, single submitter. Criteria: ACMG Guidelines, 2015. Collection method: clinical testing. Allele origin: germline. Affected: no.

NM_032043.3(BRIP1):c.1552G>T (p.Val518Phe)

Gene: BRIP1 (BRCA1 interacting DNA helicase 1; minus strand). Cytogenetic location: 17q23.2.
Variant type: single nucleotide variant.
Coding change: c.1552G>T on transcript NM_032043.3 (MANE Select); coding-DNA position 1552, G replaced by T.
Protein change: p.Val518Phe; replaces valine 518 with phenylalanine.
Molecular consequence: missense variant.
Genome position (GRCh38, 1-based): chr17:61,784,346, C>A on the plus strand (G>T on the coding strand, the complement: BRIP1 is on the minus strand). VCF-style: chr17-61784346-C-A. GRCh37 (hg19) VCF-style: chr17-59861707-C-A.
Other names: short protein forms V518F.
Identifiers: ClinVar variation 3778961 (VCV003778961.3).